The following is an entry in ClinVar:

ClinVar aggregate classification (germline): Uncertain significance (1 of 4 stars; one submission).

Conditions:
Hereditary cancer-predisposing syndrome. Also called: Hereditary Cancer Syndrome; Tumor predisposition; Hereditary neoplastic syndrome; Neoplastic Syndromes, Hereditary. Identifiers: Orphanet 140162, MedGen C0027672, MeSH D009386, MONDO:0015356.

Submission:

Ambry Genetics
Classification: Uncertain significance for Hereditary cancer-predisposing syndrome. Last evaluated: 2024-03-22. Review status: criteria provided, single submitter. Criteria: Ambry Variant Classification Scheme 2023. Collection method: clinical testing. Allele origin: germline.
Comment: The p.D125A variant (also known as c.374A>C), located in coding exon 3 of the BRCA2 gene, results from an A to C substitution at nucleotide position 374. The aspartic acid at codon 125 is replaced by alanine, an amino acid with dissimilar properties. This amino acid position is conserved. In addition, this alteration is predicted to be tolerated by in silico analysis. Based on the available evidence, the clinical significance of this alteration remains unclear.

NM_000059.4(BRCA2):c.374A>C (p.Asp125Ala)

Gene: BRCA2 (BRCA2 DNA repair associated; plus strand). Cytogenetic location: 13q13.1.
Variant type: single nucleotide variant.
Coding change: c.374A>C on transcript NM_000059.4 (MANE Select); coding-DNA position 374, A replaced by C.
Protein change: p.Asp125Ala; replaces aspartic acid 125 with alanine.
Molecular consequence: missense variant. On other transcripts: non-coding transcript variant (1).
Genome position (GRCh38, 1-based): chr13:32,325,133, A>C. VCF-style: chr13-32325133-A-C. GRCh37 (hg19) VCF-style: chr13-32899270-A-C.
Other names: c.374A>C, p.Asp125Ala (NM_001406719.1, NM_001406720.1, NM_001406721.1); c.5A>C, p.Asp2Ala (NM_001406722.1); short protein forms D125A, D2A.
Identifiers: ClinVar variation 3261568 (VCV003261568.1).